The following is an entry in ClinVar:

NM_003742.4(ABCB11):c.3624T>A (p.Tyr1208Ter)

Gene: ABCB11 (ATP binding cassette subfamily B member 11; minus strand). Cytogenetic location: 2q31.1.
Variant type: single nucleotide variant.
Coding change: c.3624T>A on transcript NM_003742.4 (MANE Select); coding-DNA position 3624, T replaced by A.
Protein change: p.Tyr1208Ter; replaces tyrosine 1208 with a stop codon.
Molecular consequence: nonsense.
Genome position (GRCh38, 1-based): chr2:168,924,798, A>T on the plus strand (T>A on the coding strand, the complement: ABCB11 is on the minus strand). VCF-style: chr2-168924798-A-T. GRCh37 (hg19) VCF-style: chr2-169781308-A-T.
Other names: short protein forms Y1208*.
Identifiers: ClinVar variation 3064146 (VCV003064146.5), dbSNP rs959196154, ClinGen allele CA349118433.
Genomic context (GRCh38, chr2:168,924,798, plus strand): 5'-AGCAATGCGTTGTTTCTCCCCTCTAGAGAGTTGAGACCCCTGGGACCCAACGTTAGTTTC[A>T]TATTTCTGAAAAAAAGTATGATAAGTTTGAGAAATAGAAACAGTTATTGCTCCTGTGCTG-3'

ClinVar aggregate classification (germline): Pathogenic/Likely pathogenic. Review status: criteria provided, multiple submitters, no conflicts (2 of 4 stars). 3 submissions from 3 submitters: Pathogenic (2); Likely pathogenic (1). Last evaluated 2026-04-14.

Conditions:
Progressive familial intrahepatic cholestasis type 2. Identifiers: Orphanet 79304, MedGen C3489789, MONDO:0011156, OMIM 601847.
Familial intrahepatic cholestasis. Identifiers: Orphanet 284385, MedGen CN296401, MONDO:0017290.

Submissions (3):

Genomenon, Inc
Classification: Pathogenic for Familial intrahepatic cholestasis. Last evaluated: 2026-04-14. Review status: criteria provided, single submitter. Criteria: Genomenon Sequence Variant Interpretation Standards - Updated. Collection method: curation. Allele origin: germline. Affected: yes.
Comment: ABCB11 p.Tyr1208Ter (c.3624T>A) is a nonsense variant that introduces a premature stop codon at amino acid position 1208, creating a truncated protein that is predicted to undergo nonsense-mediated mRNA decay. This variant has been observed in at least one proband with an ABCB11-related disorder (PMID:33915153). It is absent or not present at a significant frequency in gnomAD. In conclusion, we classify ABCB11 p.Tyr1208Ter (c.3624T>A) as a pathogenic variant.

Genomic Medicine Center of Excellence, King Faisal Specialist Hospital and Research Centre
Classification: Likely pathogenic for Progressive familial intrahepatic cholestasis type 2. Last evaluated: 2024-03-17. Review status: criteria provided, single submitter. Criteria: ACMG Guidelines, 2015. Collection method: research. Allele origin: germline.

Labcorp Genetics (formerly Invitae), Labcorp
Classification: Pathogenic. Last evaluated: 2024-02-01. Review status: criteria provided, single submitter. Criteria: Invitae Variant Classification Sherloc (09022015). Collection method: clinical testing. Allele origin: germline.
Comment: This sequence change creates a premature translational stop signal (p.Tyr1208*) in the ABCB11 gene. It is expected to result in an absent or disrupted protein product. Loss-of-function variants in ABCB11 are known to be pathogenic (PMID: 18395098, 20232290). This variant is not present in population databases (gnomAD no frequency). This premature translational stop signal has been observed in individual(s) with cholestasis (PMID: 33915153). For these reasons, this variant has been classified as Pathogenic.

Literature cited by the submitters: PubMed 33915153 (cited by Genomenon, Inc and Labcorp Genetics (formerly Invitae), Labcorp); PubMed 18395098 (cited by Labcorp Genetics (formerly Invitae), Labcorp); PubMed 20232290 (cited by Labcorp Genetics (formerly Invitae), Labcorp).